The following is an entry in ClinVar:

NM_004385.5(VCAN):c.5605A>G (p.Thr1869Ala)

Genes: VCAN (versican; plus strand), VCAN-AS1 (VCAN antisense RNA 1; minus strand). Cytogenetic location: 5q14.3.
Variant type: single nucleotide variant.
Coding change: c.5605A>G on transcript NM_004385.5 (MANE Select); coding-DNA position 5605, A replaced by G.
Protein change: p.Thr1869Ala; replaces threonine 1869 with alanine.
Molecular consequence: missense variant. On other transcripts: intron variant (2).
Genome position (GRCh38, 1-based): chr5:83,538,608, A>G. VCF-style: chr5-83538608-A-G. GRCh37 (hg19) VCF-style: chr5-82834427-A-G.
Other names: c.2644A>G, p.Thr882Ala (NM_001164097.2); c.4004-6929A>G (NM_001164098.2); c.1043-6929A>G (NM_001126336.3); short protein forms T882A, T1869A.
Identifiers: ClinVar variation 4722866 (VCV004722866.1).

ClinVar aggregate classification (germline): Uncertain significance (1 of 4 stars; one submission).

Submission:

Labcorp Genetics (formerly Invitae), Labcorp
Classification: Uncertain significance. Last evaluated: 2025-07-08. Review status: criteria provided, single submitter. Criteria: Invitae Variant Classification Sherloc (09022015). Collection method: clinical testing. Allele origin: germline.
Comment: This sequence change replaces threonine, which is neutral and polar, with alanine, which is neutral and non-polar, at codon 1869 of the VCAN protein (p.Thr1869Ala). This variant is not present in population databases (gnomAD no frequency). This variant has not been reported in the literature in individuals affected with VCAN-related conditions. An algorithm developed to predict the effect of missense changes on protein structure and function (PolyPhen-2) suggests that this variant is likely to be tolerated. In summary, the available evidence is currently insufficient to determine the role of this variant in disease. Therefore, it has been classified as a Variant of Uncertain Significance.